The following is an entry in ClinVar:

NM_001040108.2(MLH3):c.515G>A (p.Arg172Lys)

Gene: MLH3 (mutL homolog 3; minus strand). Cytogenetic location: 14q24.3.
Variant type: single nucleotide variant.
Coding change: c.515G>A on transcript NM_001040108.2 (MANE Select); coding-DNA position 515, G replaced by A.
Protein change: p.Arg172Lys; replaces arginine 172 with lysine.
Molecular consequence: missense variant.
Genome position (GRCh38, 1-based): chr14:75,049,141, C>T on the plus strand (G>A on the coding strand, the complement: MLH3 is on the minus strand). VCF-style: chr14-75049141-C-T. GRCh37 (hg19) VCF-style: chr14-75515844-C-T.
Other names: c.515G>A, p.Arg172Lys (NM_014381.3); short protein forms R172K.
Identifiers: ClinVar variation 3396751 (VCV003396751.1).

ClinVar aggregate classification (germline): Uncertain significance (1 of 4 stars; one submission).

Submission:

Ambry Genetics
Classification: Uncertain significance. Last evaluated: 2024-11-01. Review status: criteria provided, single submitter. Criteria: Ambry Variant Classification Scheme 2023. Collection method: clinical testing. Allele origin: germline.
Comment: The p.R172K variant (also known as c.515G>A), located in coding exon 1 of the MLH3 gene, results from a G to A substitution at nucleotide position 515. The arginine at codon 172 is replaced by lysine, an amino acid with highly similar properties. This amino acid position is highly conserved in available vertebrate species. In addition, the in silico prediction for this alteration is inconclusive. The evidence for this gene-disease relationship is limited; therefore, the clinical significance of this alteration is unclear.